The following is an entry in ClinVar:

ClinVar aggregate classification (germline): Uncertain significance. Review status: criteria provided, multiple submitters, no conflicts (2 of 4 stars). 2 submissions from 2 submitters: Uncertain significance (2). Last evaluated 2024-01-25.

Conditions:
Inborn genetic diseases. Identifiers: MedGen C0950123, MeSH D030342.

Allele frequency attached by ClinVar (database versions not stated): ExAC 0.00001; gnomAD 0.00002; gnomAD exomes 0.00002; TOPMed 0.00003.
gnomAD v4.1: 33 of 1,589,636 alleles (0.0021%); highest among the groups gnomAD compares: Non-Finnish European, 0.0023%; no homozygotes.

Submissions (2):

Ambry Genetics
Classification: Uncertain significance for Inborn genetic diseases. Last evaluated: 2024-01-25. Review status: criteria provided, single submitter. Criteria: Ambry Variant Classification Scheme 2023. Collection method: clinical testing. Allele origin: germline.

Labcorp Genetics (formerly Invitae), Labcorp
Classification: Uncertain significance. Last evaluated: 2022-02-24. Review status: criteria provided, single submitter. Criteria: Invitae Variant Classification Sherloc (09022015). Collection method: clinical testing. Allele origin: germline.
Comment: The COL18A1 gene has multiple clinically relevant transcripts. This variant occurs in alternate transcript NM_030582.3, and corresponds to NM_130445.2:c.107-12077C>T in the primary transcript. This sequence change replaces proline, which is neutral and non-polar, with leucine, which is neutral and non-polar, at codon 212 of the COL18A1 protein (p.Pro212Leu). This variant is present in population databases (rs758219432, gnomAD 0.007%). This variant has not been reported in the literature in individuals affected with COL18A1-related conditions. Experimental studies and prediction algorithms are not available or were not evaluated, and the functional significance of this variant is currently unknown. In summary, the available evidence is currently insufficient to determine the role of this variant in disease. Therefore, it has been classified as a Variant of Uncertain Significance.

NM_001379500.1(COL18A1):c.107-12077C>T

Gene: COL18A1 (collagen type XVIII alpha 1 chain; plus strand). Cytogenetic location: 21q22.3.
Variant type: single nucleotide variant.
Coding change: c.107-12077C>T on transcript NM_001379500.1 (MANE Select); 12077 bases into the intron before coding-DNA position 107, C replaced by T.
Molecular consequence: intron variant. On other transcripts: missense variant (2).
Genome position (GRCh38, 1-based): chr21:45,456,165, C>T. VCF-style: chr21-45456165-C-T. GRCh37 (hg19) VCF-style: chr21-46876079-C-T.
Other names: c.635C>T, p.Pro212Leu (NM_030582.4, NM_130444.3); c.635C>T (NM_030582.3); short protein forms P212L.
Identifiers: ClinVar variation 1945941 (VCV001945941.3), dbSNP rs758219432, ClinGen allele CA10065536.